The following is an entry in ClinVar:

ClinVar aggregate classification (germline): Likely pathogenic (1 of 4 stars; one submission).

Conditions:
Non-acquired combined pituitary hormone deficiency. Identifiers: Orphanet 467, MedGen C5680091, MONDO:0018762.

Submission:

Department of Human Genetics, University Hospital Bern, Inselspital
Classification: Likely pathogenic for Neck muscle weakness. Last evaluated: 2024-05-17. Review status: criteria provided, single submitter. Criteria: ACMG Guidelines, 2015. Collection method: clinical testing. Allele origin: de novo. Inheritance: Autosomal dominant inheritance. Affected: yes. Observed: 1 variant allele.
Comment: Pathogenic variants in the FOXA2 gene have been associated with combined pituitary hormone deficiency (CPHD) and follow an autosomal dominant inheritance pattern (Boda et al., PMID: 30414530; Vishnopolska et al., PMID: 33729509; Vajravelu et al., PMID: 29329447). To date, only a few patients have been described. The reported nonsense variant is classified as likely pathogenic according to ACMG criteria. It introduces a premature stop codon, leading most likely to a truncated protein with complete or significant loss of function, rather than undergoing nonsense-mediated mRNA decay. This variant is not listed in any population database, and to our knowledge, has not been previously associated with a genetic disorder. However, a similar nonsense variant (c.616C>T, p.(Gln206Ter)) has been reported (Kaygusuz et al., PMID: 33999151).

Literature cited by the submitters: PubMed 33999151; PubMed 30414530; PubMed 33729509; PubMed 29329447.

NM_021784.5(FOXA2):c.619C>T (p.Gln207Ter)

Gene: FOXA2 (forkhead box A2; minus strand). Cytogenetic location: 20p11.21.
Variant type: single nucleotide variant.
Coding change: c.619C>T on transcript NM_021784.5 (MANE Select); coding-DNA position 619, C replaced by T.
Protein change: p.Gln207Ter; replaces glutamine 207 with a stop codon.
Molecular consequence: nonsense.
Genome position (GRCh38, 1-based): chr20:22,582,623, G>A on the plus strand (C>T on the coding strand, the complement: FOXA2 is on the minus strand). VCF-style: chr20-22582623-G-A. GRCh37 (hg19) VCF-style: chr20-22563261-G-A.
Other names: c.601C>T, p.Gln201Ter (NM_153675.3); short protein forms Q201*, Q207*.
Identifiers: ClinVar variation 3544360 (VCV003544360.1).
Genomic context (GRCh38, chr20:22,582,623, plus strand): 5'-GCACCTTCAGGAAACAGTCGTTGAAGGAGAGCGAGTGGCGGATGGAGTTCTGCCAGCGCT[G>A]CTGGTTCTGCCGGTAGAAGGGGAAGAGGTCCATGATCCACTGGTAGATCTCGCTCAGCGT-3'